The following is an entry in ClinVar:

NM_001144967.3(NEDD4L):c.1847A>G (p.Asn616Ser)

Gene: NEDD4L (NEDD4 like E3 ubiquitin protein ligase; plus strand). Cytogenetic location: 18q21.31.
Variant type: single nucleotide variant.
Coding change: c.1847A>G on transcript NM_001144967.3 (MANE Select); coding-DNA position 1847, A replaced by G.
Protein change: p.Asn616Ser; replaces asparagine 616 with serine.
Molecular consequence: missense variant.
Genome position (GRCh38, 1-based): chr18:58,366,012, A>G. VCF-style: chr18-58366012-A-G. GRCh37 (hg19) VCF-style: chr18-56033244-A-G.
Other names: c.1484A>G, p.Asn495Ser (NM_001144964.1, NM_001144965.2, NM_001144966.3); c.1823A>G, p.Asn608Ser (NM_001144968.2); c.1763A>G, p.Asn588Ser (NM_001144969.2); c.1424A>G, p.Asn475Ser (NM_001144970.3, NM_001144971.2); c.1655A>G, p.Asn552Ser (NM_001243960.2); c.1787A>G, p.Asn596Ser (NM_015277.6); short protein forms N588S, N596S, N552S, N608S, N495S, N616S, N475S.
Identifiers: ClinVar variation 3689237 (VCV003689237.2).

ClinVar aggregate classification (germline): Uncertain significance (1 of 4 stars; one submission).

gnomAD v4.1: 2 of 1,609,368 alleles (0.00012%); highest among the groups gnomAD compares: Non-Finnish European, 0.000085%; no homozygotes.

Submission:

Labcorp Genetics (formerly Invitae), Labcorp
Classification: Uncertain significance. Last evaluated: 2024-10-21. Review status: criteria provided, single submitter. Criteria: Invitae Variant Classification Sherloc (09022015). Collection method: clinical testing. Allele origin: germline.
Comment: This sequence change replaces asparagine, which is neutral and polar, with serine, which is neutral and polar, at codon 596 of the NEDD4L protein (p.Asn596Ser). This variant is present in population databases (no rsID available, gnomAD 0.0009%). This variant has not been reported in the literature in individuals affected with NEDD4L-related conditions. Invitae Evidence Modeling of protein sequence and biophysical properties (such as structural, functional, and spatial information, amino acid conservation, physicochemical variation, residue mobility, and thermodynamic stability) indicates that this missense variant is not expected to disrupt NEDD4L protein function with a negative predictive value of 80%. In summary, the available evidence is currently insufficient to determine the role of this variant in disease. Therefore, it has been classified as a Variant of Uncertain Significance.